The following is an entry in ClinVar:

ClinVar aggregate classification (germline): Conflicting classifications of pathogenicity. Review status: criteria provided, conflicting classifications (1 of 4 stars). 2 submissions from 2 submitters: Uncertain significance (1); Likely benign (1). Last evaluated 2025-08-11.

Conditions:
Inborn genetic diseases. Identifiers: MedGen C0950123, MeSH D030342.
EP300-related disorder. Also called: EP300-related disorders; EP300-related condition.

Allele frequency attached by ClinVar (database versions not stated): gnomAD exomes below 0.00001; TOPMed 0.00001.
gnomAD v4.1: 6 of 1,613,818 alleles (0.00037%); highest among the groups gnomAD compares: Non-Finnish European, 0.00051%; no homozygotes.

Submissions (2):

PreventionGenetics, part of Exact Sciences
Classification: Uncertain significance for EP300-related condition. Last evaluated: 2025-08-11. Review status: criteria provided, single submitter. Criteria: ACMG Guidelines, 2015. Collection method: clinical testing. Allele origin: germline.
Comment: The EP300 c.2563C>T variant is predicted to result in the amino acid substitution p.Pro855Ser. To our knowledge, this variant has not been reported in the literature. This variant is reported in 0.0054% of alleles in individuals of East Asian descent in gnomAD. At this time, the clinical significance of this variant is uncertain due to the absence of conclusive functional and genetic evidence.

Ambry Genetics
Classification: Likely benign for Inborn genetic diseases. Last evaluated: 2023-09-14. Review status: criteria provided, single submitter. Criteria: Ambry Variant Classification Scheme 2023. Collection method: clinical testing. Allele origin: germline.

NM_001429.4(EP300):c.2563C>T (p.Pro855Ser)

Gene: EP300 (EP300 lysine acetyltransferase; plus strand). Cytogenetic location: 22q13.2.
Variant type: single nucleotide variant.
Coding change: c.2563C>T on transcript NM_001429.4 (MANE Select); coding-DNA position 2563, C replaced by T.
Protein change: p.Pro855Ser; replaces proline 855 with serine.
Molecular consequence: missense variant.
Genome position (GRCh38, 1-based): chr22:41,149,944, C>T. VCF-style: chr22-41149944-C-T. GRCh37 (hg19) VCF-style: chr22-41545948-C-T.
Other names: c.2485C>T, p.Pro829Ser (NM_001362843.2); short protein forms P829S, P855S.
Identifiers: ClinVar variation 2624329 (VCV002624329.4), dbSNP rs1012101301, ClinGen allele CA324536317.